The following is an entry in ClinVar:

NM_001365536.1(SCN9A):c.4507A>T (p.Lys1503Ter)

Genes: SCN9A (sodium voltage-gated channel alpha subunit 9; minus strand), SCN1A-AS1 (SCN1A and SCN9A antisense RNA 1; plus strand). Cytogenetic location: 2q24.3.
Variant type: single nucleotide variant.
Coding change: c.4507A>T on transcript NM_001365536.1 (MANE Select); coding-DNA position 4507, A replaced by T.
Protein change: p.Lys1503Ter; replaces lysine 1503 with a stop codon.
Molecular consequence: nonsense.
Genome position (GRCh38, 1-based): chr2:166,204,222, T>A on the plus strand (A>T on the coding strand, the complement: SCN9A is on the minus strand). VCF-style: chr2-166204222-T-A. GRCh37 (hg19) VCF-style: chr2-167060732-T-A.
Other names: c.4474A>T, p.Lys1492Ter (NM_002977.4); short protein forms K1492*, K1503*.
Identifiers: ClinVar variation 234766 (VCV000234766.2), dbSNP rs876661206, ClinGen allele CA10577240.

ClinVar aggregate classification (germline): Likely pathogenic (1 of 4 stars; one submission).

Submission:

GeneDx
Classification: Likely pathogenic. Last evaluated: 2016-01-25. Review status: criteria provided, single submitter. Criteria: GeneDx Variant Classification (06012015). Collection method: clinical testing. Allele origin: germline. Affected: yes.
Comment: A novel K1492X variant that is likely pathogenic has been identified in the SCN9A gene. The K1492X variant has not been published as a pathogenic variant, nor has it been reported as a benign variant to our knowledge. It was not observed in approximately 5,900 individuals of European and African American ancestry in the NHLBI Exome Sequencing Project, indicating it is not a common benign variant in these populations. The K1492X nonsense variant is predicted to cause loss of normal protein function either through protein truncation or nonsense-mediated mRNA decay. Therefore, this variant is likely pathogenic; however, the possibility that it is benign cannot be excluded.